The following is an entry in ClinVar:

ClinVar aggregate classification (germline): Uncertain significance. Review status: criteria provided, multiple submitters, no conflicts (2 of 4 stars). 2 submissions from 2 submitters: Uncertain significance (2). Last evaluated 2026-08-10.

Conditions:
Hereditary cancer-predisposing syndrome. Also called: Tumor predisposition; Hereditary Cancer Syndrome; Hereditary neoplastic syndrome; Neoplastic Syndromes, Hereditary. Identifiers: Orphanet 140162, MedGen C0027672, MeSH D009386, MONDO:0015356.

Allele frequency attached by ClinVar (database versions not stated): gnomAD exomes below 0.00001 and 0.00001.
gnomAD v4.1: 12 of 1,589,176 alleles (0.00076%); highest among the groups gnomAD compares: Non-Finnish European, 0.001%; no homozygotes.

Submissions (2):

Ambry Genetics
Classification: Uncertain significance for Hereditary cancer-predisposing syndrome. Last evaluated: 2026-08-10. Review status: criteria provided, single submitter. Criteria: Ambry Variant Classification Scheme 2023. Collection method: clinical testing. Allele origin: germline.
Comment: The c.1020+4A>G intronic variant results from an A to G substitution 4 nucleotides after coding exon 10 in the POLE gene. This nucleotide position is not well conserved in available vertebrate species. In silico splice site analysis for this alteration is inconclusive. Based on the available evidence, the clinical significance of this variant remains unclear.

Labcorp Genetics (formerly Invitae), Labcorp
Classification: Uncertain significance. Last evaluated: 2025-03-31. Review status: criteria provided, single submitter. Criteria: Invitae Variant Classification Sherloc (09022015). Collection method: clinical testing. Allele origin: germline.
Comment: This sequence change falls in intron 10 of the POLE gene. It does not directly change the encoded amino acid sequence of the POLE protein. It affects a nucleotide within the consensus splice site. This variant is present in population databases (no rsID available, gnomAD 0.0009%). This variant has not been reported in the literature in individuals affected with POLE-related conditions. ClinVar contains an entry for this variant (Variation ID: 1018235). Variants that disrupt the consensus splice site are a relatively common cause of aberrant splicing (PMID: 17576681, 9536098). Algorithms developed to predict the effect of sequence changes on RNA splicing suggest that this variant may disrupt the consensus splice site. In summary, the available evidence is currently insufficient to determine the role of this variant in disease. Therefore, it has been classified as a Variant of Uncertain Significance.

Literature cited by the submitters: PubMed 17576681 (cited by Labcorp Genetics (formerly Invitae), Labcorp); PubMed 9536098 (cited by Labcorp Genetics (formerly Invitae), Labcorp).

NM_006231.4(POLE):c.1020+4A>G

Gene: POLE (DNA polymerase epsilon, catalytic subunit; minus strand). Cytogenetic location: 12q24.33.
Variant type: single nucleotide variant.
Coding change: c.1020+4A>G on transcript NM_006231.4 (MANE Select); 4 bases into the intron after coding-DNA position 1020, A replaced by G.
Molecular consequence: intron variant.
Genome position (GRCh38, 1-based): chr12:132,676,090, T>C on the plus strand (A>G on the coding strand, the complement: POLE is on the minus strand). VCF-style: chr12-132676090-T-C. GRCh37 (hg19) VCF-style: chr12-133252676-T-C.
Other names: c.1020+4A>G (NM_006231.2).
Identifiers: ClinVar variation 1018235 (VCV001018235.7), dbSNP rs1309285050, ClinGen allele CA608262043.